The following is an entry in ClinVar:

ClinVar aggregate classification (germline): Uncertain significance (1 of 4 stars; one submission).

Submission:

GeneDx
Classification: Uncertain significance. Last evaluated: 2023-04-10. Review status: criteria provided, single submitter. Criteria: GeneDx Variant Classification Process June 2021. Collection method: clinical testing. Allele origin: germline. Affected: yes.
Comment: Not observed at significant frequency in large population cohorts (gnomAD); In silico analysis supports that this missense variant has a deleterious effect on protein structure/function; Has not been previously published as pathogenic or benign to our knowledge

NM_001195553.2(DCX):c.298G>A (p.Gly100Arg)

Gene: DCX (doublecortin; minus strand). Cytogenetic location: Xq23.
Variant type: single nucleotide variant.
Coding change: c.298G>A on transcript NM_001195553.2 (MANE Select); coding-DNA position 298, G replaced by A.
Protein change: p.Gly100Arg; replaces glycine 100 with arginine.
Molecular consequence: missense variant.
Genome position (GRCh38, 1-based): chrX:111,410,101, C>T on the plus strand (G>A on the coding strand, the complement: DCX is on the minus strand). VCF-style: chrX-111410101-C-T. GRCh37 (hg19) VCF-style: chrX-110653329-C-T.
Other names: c.541G>A, p.Gly181Arg (NM_000555.3); c.298G>A, p.Gly100Arg (NM_001369370.1, NM_001369371.1, NM_001369372.1 and 6 more transcripts); short protein forms G100R, G181R.
Identifiers: ClinVar variation 3342911 (VCV003342911.1).